The following is an entry in ClinVar:

ClinVar aggregate classification (germline): Uncertain significance (1 of 4 stars; one submission).

Conditions:
Pitt-Hopkins syndrome (PTHS). Also called: ENCEPHALOPATHY, SEVERE EPILEPTIC, WITH AUTONOMIC DYSFUNCTION; MENTAL RETARDATION, SYNDROMAL, WITH INTERMITTENT HYPERVENTILATION. Identifiers: Orphanet 2896, MedGen C1970431, MONDO:0012589, OMIM 610954.

Submission:

Labcorp Genetics (formerly Invitae), Labcorp
Classification: Uncertain significance for Pitt-Hopkins syndrome. Last evaluated: 2025-01-27. Review status: criteria provided, single submitter. Criteria: Invitae Variant Classification Sherloc (09022015). Collection method: clinical testing. Allele origin: germline.
Comment: This sequence change replaces alanine, which is neutral and non-polar, with glycine, which is neutral and non-polar, at codon 444 of the TCF4 protein (p.Ala444Gly). This variant is not present in population databases (gnomAD no frequency). This variant has not been reported in the literature in individuals affected with TCF4-related conditions. Invitae Evidence Modeling of protein sequence and biophysical properties (such as structural, functional, and spatial information, amino acid conservation, physicochemical variation, residue mobility, and thermodynamic stability) indicates that this missense variant is not expected to disrupt TCF4 protein function with a negative predictive value of 95%. In summary, the available evidence is currently insufficient to determine the role of this variant in disease. Therefore, it has been classified as a Variant of Uncertain Significance.

NM_001083962.2(TCF4):c.1331C>G (p.Ala444Gly)

Gene: TCF4 (transcription factor 4; minus strand). Cytogenetic location: 18q21.2.
Variant type: single nucleotide variant.
Coding change: c.1331C>G on transcript NM_001083962.2 (MANE Select); coding-DNA position 1331, C replaced by G.
Protein change: p.Ala444Gly; replaces alanine 444 with glycine.
Molecular consequence: missense variant.
Genome position (GRCh38, 1-based): chr18:55,254,516, G>C on the plus strand (C>G on the coding strand, the complement: TCF4 is on the minus strand). VCF-style: chr18-55254516-G-C. GRCh37 (hg19) VCF-style: chr18-52921747-G-C.
Other names: c.1637C>G, p.Ala546Gly (NM_001243226.3); c.1259C>G, p.Ala420Gly (NM_001243227.2, NM_001348217.1, NM_001348218.2 and 5 more transcripts); c.1349C>G, p.Ala450Gly (NM_001243228.2); c.1322C>G, p.Ala441Gly (NM_001243230.2); c.1205C>G, p.Ala402Gly (NM_001243231.2, NM_001348211.2); c.1118C>G, p.Ala373Gly (NM_001243232.1, NM_001306208.1); c.941C>G, p.Ala314Gly (NM_001243233.2, NM_001330605.3, NM_001348212.2 and 1 more transcripts); c.851C>G, p.Ala284Gly (NM_001243234.2, NM_001348216.2, NM_001243235.2 and 1 more transcripts); and 6 more; short protein forms A228G, A314G, A373G, A444G, A450G, A419G, A420G, A402G.
Identifiers: ClinVar variation 3686082 (VCV003686082.2).